The following is an entry in ClinVar:

NM_001048174.2(MUTYH):c.1351G>T (p.Glu451Ter)

Gene: MUTYH (mutY DNA glycosylase; minus strand). Cytogenetic location: 1p34.1.
Variant type: single nucleotide variant.
Coding change: c.1351G>T on transcript NM_001048174.2 (MANE Select); coding-DNA position 1351, G replaced by T.
Protein change: p.Glu451Ter; replaces glutamic acid 451 with a stop codon.
Molecular consequence: nonsense. On other transcripts: non-coding transcript variant (2).
Genome position (GRCh38, 1-based): chr1:45,331,223, C>A on the plus strand (G>T on the coding strand, the complement: MUTYH is on the minus strand). VCF-style: chr1-45331223-C-A. GRCh37 (hg19) VCF-style: chr1-45796895-C-A.
Other names: c.1351G>T, p.Glu451Ter (NM_001048171.2, NM_001048173.2, NM_001293195.2); c.1354G>T, p.Glu452Ter (NM_001048172.2); c.1435G>T, p.Glu479Ter (NM_001128425.2); c.1396G>T, p.Glu466Ter (NM_001293190.2); c.1384G>T, p.Glu462Ter (NM_001293191.2); c.1075G>T, p.Glu359Ter (NM_001293192.2, NM_001293196.2); c.1006G>T, p.Glu336Ter (NM_001350650.2, NM_001350651.2); c.1426G>T, p.Glu476Ter (NM_012222.3); short protein forms E479*, E359*, E452*, E451*, E462*, E466*, E476*, E336*.
Identifiers: ClinVar variation 238337 (VCV000238337.36), dbSNP rs376790729, ClinGen allele CA10581802.
Genomic context (GRCh38, chr1:45,331,223, plus strand): 5'-AAGACAACAAAGGTAGTGCCTTTTTCATGGCGGTGGAAACAGCTGCGGTGTGAAATTCCT[C>A]CTGCGTCAGCCAGCGAGCACCTGGTGGTACGGTGGTCACTGGGGTCTGCCCTTCCAAGGC-3'

ClinVar aggregate classification (germline): Pathogenic. Review status: criteria provided, multiple submitters, no conflicts (2 of 4 stars). 11 submissions from 11 submitters: Pathogenic (11). Last evaluated 2025-12-14.

Conditions:
MUTYH-related disorder. Also called: MUTYH-related condition; MUTYH-related disorders.
Hereditary cancer-predisposing syndrome. Also called: Hereditary Cancer Syndrome; Tumor predisposition; Hereditary neoplastic syndrome; Neoplastic Syndromes, Hereditary. Identifiers: Orphanet 140162, MedGen C0027672, MeSH D009386, MONDO:0015356.
Familial adenomatous polyposis 2. Also called: MUTYH-associated polyposis; MUTYH-related attenuated familial adenomatous polyposis; Adenomas, multiple colorectal; MUTYH Polyposis; COLORECTAL ADENOMATOUS POLYPOSIS, AUTOSOMAL RECESSIVE; ADENOMAS, MULTIPLE COLORECTAL, AUTOSOMAL RECESSIVE. Identifiers: Orphanet 220460, Orphanet 247798, MedGen C3272841, MONDO:0012041, OMIM 608456.

Allele frequency attached by ClinVar (database versions not stated): TOPMed 0.00005.
gnomAD v4.1: 10 of 1,614,128 alleles (0.00062%); highest among the groups gnomAD compares: African/African-American, 0.0067%; no homozygotes.

Submissions (11):

Labcorp Genetics (formerly Invitae), Labcorp
Classification: Pathogenic for Familial adenomatous polyposis 2. Last evaluated: 2025-12-14. Review status: criteria provided, single submitter. Criteria: Invitae Variant Classification Sherloc (09022015). Collection method: clinical testing. Allele origin: germline.
Comment: This sequence change creates a premature translational stop signal (p.Glu479*) in the MUTYH gene. It is expected to result in an absent or disrupted protein product. Loss-of-function variants in MUTYH are known to be pathogenic (PMID: 18534194, 20663686). This variant is present in population databases (no rsID available, gnomAD 0.007%). This premature translational stop signal has been observed in individual(s) with adenomatous polyposis (PMID: 17949294). This variant is also known as c.1393G>T, p.Glu465Ter. ClinVar contains an entry for this variant (Variation ID: 238337). RNA analysis performed to evaluate the impact of this premature translational stop signal on mRNA splicing indicates it does not significantly alter splicing (internal data). For these reasons, this variant has been classified as Pathogenic.

Color Diagnostics, LLC DBA Color Health
Classification: Pathogenic for Hereditary cancer-predisposing syndrome. Last evaluated: 2025-11-04. Review status: criteria provided, single submitter. Criteria: ACMG Guidelines, 2015. Collection method: clinical testing. Allele origin: germline.
Comment: This variant changes 1 nucleotide in exon 14 of the MUTYH gene, creating a premature translation stop signal. This variant is expected to result in an absent or non-functional protein product. This variant has been reported in individuals affected with colorectal adenomas (PMID: 17949294). This variant has been identified in 1/251492 chromosomes in the general population by the Genome Aggregation Database (gnomAD). Loss of MUTYH function is a known mechanism of disease. Based on the available evidence, this variant is classified as Pathogenic.

GeneDx
Classification: Pathogenic. Last evaluated: 2025-08-14. Review status: criteria provided, single submitter. Criteria: GeneDx Variant Classification Process June 2021. Collection method: clinical testing. Allele origin: germline. Affected: yes.
Comment: Nonsense variant predicted to result in protein truncation or nonsense mediated decay in a gene for which loss of function is a known mechanism of disease; Not observed at significant frequency in large population cohorts (gnomAD); This variant is associated with the following publications: (PMID: 12393807, 18534194, 17949294, 19806110, 29625052, 12853198, 16557584, 25820570, 22538434, 18787472, 30787465, 36451132, 20663686)

Women's Health and Genetics/Laboratory Corporation of America, LabCorp
Classification: Pathogenic for Familial adenomatous polyposis 2. Last evaluated: 2025-03-27. Review status: criteria provided, single submitter. Criteria: LabCorp Variant Classification Summary - May 2015. Collection method: clinical testing. Allele origin: germline.
Comment: Variant summary: MUTYH c.1435G>T (p.Glu479X) results in a premature termination codon, predicted to cause a truncation of the encoded protein or absence of the protein due to nonsense mediated decay, which are commonly known mechanisms for disease. The variant allele was found at a frequency of 4e-06 in 251492 control chromosomes. c.1435G>T has been reported in the literature in individuals affected with MUTYH-Associated Polyposis(e.g. Olschwang_2007). These data indicate that the variant may be associated with disease. To our knowledge, no experimental evidence demonstrating an impact on protein function has been reported. The following publications have been ascertained in the context of this evaluation (PMID: 17949294, 28533537, 17369389). ClinVar contains an entry for this variant (Variation ID: 238337). Based on the evidence outlined above, the variant was classified as pathogenic.

All of Us Research Program, National Institutes of Health
Classification: Pathogenic for Familial adenomatous polyposis 2. Last evaluated: 2024-09-12. Review status: criteria provided, single submitter. Criteria: ACMG Guidelines, 2015. Collection method: clinical testing. Allele origin: germline. Inheritance: Autosomal recessive inheritance. Observed: 7 variant alleles, 6 heterozygotes, 1 compound heterozygote.
Comment: The c.1435G>T (p.Glu479*) variant in the MUTYH gene causes a premature termination at codon 479. This change is predicted to result in an absent or disrupted protein product. This truncating variant has been reported in the literature in patient(s) affected with adenomatous polyposis (PMID: 17949294). Loss-of-function variants in MUTYH are known to be pathogenic (PMID: 18534194, 20663686). This variant has been identified in 1/221492 chromosomes in the general population by the Genome Aggregation Database (gnomAD) with no homozygote observed. For these reasons, the c.1435G>T (p.Glu479*) variant in the MUTYH gene has been classified as pathogenic.

This study involves interpretation of variants in research participants for the purpose of population health screening. Participant phenotype was not available at the time of variant classification. Additional details can be found in publication PMID: 35346344, PMCID: PMC8962531

Ambry Genetics
Classification: Pathogenic for Hereditary cancer-predisposing syndrome. Last evaluated: 2024-06-03. Review status: criteria provided, single submitter. Criteria: Ambry Variant Classification Scheme 2023. Collection method: clinical testing. Allele origin: germline.
Comment: The p.E479* pathogenic mutation (also known as c.1435G>T), located in coding exon 14 of the MUTYH gene, results from a G to T substitution at nucleotide position 1435. This changes the amino acid from a glutamic acid to a stop codon within coding exon 14. This alteration is expected to result in loss of function by premature protein truncation or nonsense-mediated mRNA decay. As such, this alteration is interpreted as a disease-causing mutation.

Baylor Genetics
Classification: Pathogenic for Familial adenomatous polyposis 2. Last evaluated: 2024-03-20. Review status: criteria provided, single submitter. Criteria: ACMG Guidelines, 2015. Collection method: clinical testing. Allele origin: unknown.

Human Genome Sequencing Center Clinical Lab, Baylor College of Medicine
Classification: Pathogenic for MUTYH-associated polyposis. Last evaluated: 2023-11-03. Review status: criteria provided, single submitter. Criteria: ACMG Guidelines, 2015. Collection method: clinical testing. Allele origin: unknown.
Comment: The c.1435G>T (p.Glu479*) variant in the MUTYH gene causes a premature termination at codon 479. This change is predicted to result in an absent or disrupted protein product. This truncating variant has been reported in the literature in patient(s) affected with adenomatous polyposis (PMID: 17949294). Loss-of-function variants in MUTYH are known to be pathogenic (PMID: 18534194, 20663686). This variant has been identified in 1/221492 chromosomes in the general population by the Genome Aggregation Database (gnomAD) with no homozygote observed. For these reasons, the c.1435G>T (p.Glu479*) variant in the MUTYH gene has been classified as pathogenic.

Quest Diagnostics Nichols Institute San Juan Capistrano
Classification: Pathogenic. Last evaluated: 2023-10-18. Review status: criteria provided, single submitter. Criteria: Quest Diagnostics criteria. Collection method: clinical testing. Allele origin: unknown.
Comment: The MUTYH c.1435G>T (p.Glu479*) variant causes the premature termination of MUTYH protein synthesis. This variant has been reported in the published literature in individuals with adenomatous polyps (PMIDs: 17949294 (2007), 16557584 (2006)). The frequency of this variant in the general population, 0.000004 (1/251492 chromosomes (Genome Aggregation Database)), is consistent with pathogenicity. Based on the available information, this variant is classified as pathogenic.

PreventionGenetics, part of Exact Sciences
Classification: Pathogenic for MUTYH-related condition. Last evaluated: 2023-04-04. Review status: criteria provided, single submitter. Criteria: ACMG Guidelines, 2015. Collection method: clinical testing. Allele origin: germline.
Comment: The MUTYH c.1435G>T variant is predicted to result in premature protein termination (p.Glu479*). This variant is alternatively referred to as c.1396G>T (p.Glu466*) in the literature using an alternate transcript (NM_001293190). This variant has been reported in the homozygous state in individuals with adenomatous polyposis (Jones et al. 2002 PubMed ID: 12393807; Samson et al. 2003. PubMed ID: 12853198; Olschwang et al. 2007. PubMed ID: 17949294, referred to as c.1393G>T, p.Glu465*). In vitro experimental studies indicate that this variant impacts protein function (Ali et al. 2008. PubMed ID: 18534194). It is reported in 1 of ~251,000 alleles in gnomAD and is interpreted as pathogenic and likely pathogenic in ClinVar. Nonsense variants in MUTYH are expected to be pathogenic. This variant is interpreted as pathogenic.

Sema4
Classification: Pathogenic for Hereditary cancer-predisposing syndrome. Last evaluated: 2021-06-27. Review status: criteria provided, single submitter. Criteria: Sema4 Curation Guidelines. Collection method: curation. Allele origin: germline.
Comment: The MUTYH c.1435G>T (p.E479X) variant has been reported in individuals affected with adenomatous polyposis (PMID: 16557584; 29625052; 17949294). This nonsense variant creates a premature stop codon at residue 479 of the MUTYH protein. Loss-of-function variants in MUTYH are known to be pathogenic (PMID: 20663686). This variant was observed in 1/16256 chromosomes in the African/African American population, according to the Genome Aggregation Database (PMID: 32461654). This variant has been reported in ClinVar (Variation ID: 238337). Based on the current evidence available, this variant is interpreted as pathogenic.

Literature cited by the submitters: PubMed 18534194 (cited by Labcorp Genetics (formerly Invitae), Labcorp and All of Us Research Program, National Institutes of Health); PubMed 20663686 (cited by 3 submitters); PubMed 17949294 (cited by 5 submitters); PubMed 28533537 (cited by Women's Health and Genetics/Laboratory Corporation of America, LabCorp); PubMed 17369389 (cited by Women's Health and Genetics/Laboratory Corporation of America, LabCorp); PubMed 16557584 (cited by Quest Diagnostics Nichols Institute San Juan Capistrano and Sema4).